The following is an entry in ClinVar:

ClinVar aggregate classification (germline): Uncertain significance (1 of 4 stars; one submission).

gnomAD v4.1: 15 of 1,165,665 alleles (0.0013%); highest among the groups gnomAD compares: African/African-American, 0.0054%; no homozygotes.

Submission:

Ambry Genetics
Classification: Uncertain significance. Last evaluated: 2026-03-31. Review status: criteria provided, single submitter. Criteria: Ambry Variant Classification Scheme 2023. Collection method: clinical testing. Allele origin: germline.
Comment: The c.151G>A (p.G51S) alteration is located in exon 1 (coding exon 1) of the AMOT gene. This alteration results from a G to A substitution at nucleotide position 151, causing the glycine (G) at amino acid position 51 to be replaced by a serine (S). Based on data from gnomAD, the A allele has an overall frequency of 0.002% (2/136852) total alleles studied. The highest observed frequency was 0.025% (1/4084) of Other alleles. Based on insufficient or conflicting evidence, the clinical significance of this alteration remains unclear.

NM_001113490.2(AMOT):c.151G>A (p.Gly51Ser)

Gene: AMOT (angiomotin; minus strand). Cytogenetic location: Xq23.
Variant type: single nucleotide variant.
Coding change: c.151G>A on transcript NM_001113490.2 (MANE Select); coding-DNA position 151, G replaced by A.
Protein change: p.Gly51Ser; replaces glycine 51 with serine.
Molecular consequence: missense variant. On other transcripts: intron variant (1).
Genome position (GRCh38, 1-based): chrX:112,822,976, C>T on the plus strand (G>A on the coding strand, the complement: AMOT is on the minus strand). VCF-style: chrX-112822976-C-T. GRCh37 (hg19) VCF-style: chrX-112066204-C-T.
Other names: c.151G>A, p.Gly51Ser (NM_001386998.1, NM_001386999.1); c.-355-7099G>A (NM_133265.5); short protein forms G51S.
Identifiers: ClinVar variation 4871532 (VCV004871532.1).